The following is an entry in ClinVar:

NM_001366110.1(PAX4):c.402C>G (p.Asp134Glu)

Gene: PAX4 (paired box 4; minus strand). Cytogenetic location: 7q32.1.
Variant type: single nucleotide variant.
Coding change: c.402C>G on transcript NM_001366110.1 (MANE Select); coding-DNA position 402, C replaced by G.
Protein change: p.Asp134Glu; replaces aspartic acid 134 with glutamic acid.
Molecular consequence: missense variant.
Genome position (GRCh38, 1-based): chr7:127,614,516, G>C on the plus strand (C>G on the coding strand, the complement: PAX4 is on the minus strand). VCF-style: chr7-127614516-G-C. GRCh37 (hg19) VCF-style: chr7-127254570-G-C.
Other names: c.402C>G, p.Asp134Glu (NM_001366111.1); short protein forms D134E.
Identifiers: ClinVar variation 3672206 (VCV003672206.2).
Genomic context (GRCh38, chr7:127,614,516, plus strand): 5'-GCCCTGGGGACAACTCCAAGACCCACCTGGTGACCTGAGCCGTGTGCACGGTAGTCCCTG[G>C]TCCTCCTGTAATGCCCGCAGGACTCGGTTGATGGAGGAGACCTGGGAGTGTCAGGGTGTT-3'
Protein context (NP_001353039.1, residues 124-144): INRVLRALQE[Asp134Glu]QGLPCTRLRS

ClinVar aggregate classification (germline): Uncertain significance (1 of 4 stars; one submission).

gnomAD v4.1: 2 of 1,597,362 alleles (0.00013%); highest among the groups gnomAD compares: African/African-American, 0.0027%; no homozygotes.

Submission:

Labcorp Genetics (formerly Invitae), Labcorp
Classification: Uncertain significance. Last evaluated: 2024-11-03. Review status: criteria provided, single submitter. Criteria: Invitae Variant Classification Sherloc (09022015). Collection method: clinical testing. Allele origin: germline.
Comment: This sequence change replaces aspartic acid, which is acidic and polar, with glutamic acid, which is acidic and polar, at codon 126 of the PAX4 protein (p.Asp126Glu). This variant is not present in population databases (gnomAD no frequency). This variant has not been reported in the literature in individuals affected with PAX4-related conditions. An algorithm developed to predict the effect of missense changes on protein structure and function (PolyPhen-2) suggests that this variant is likely to be disruptive. In summary, the available evidence is currently insufficient to determine the role of this variant in disease. Therefore, it has been classified as a Variant of Uncertain Significance.